The following is an entry in ClinVar:

ClinVar aggregate classification (germline): Uncertain significance (1 of 4 stars; one submission).

Submission:

Labcorp Genetics (formerly Invitae), Labcorp
Classification: Uncertain significance. Last evaluated: 2024-04-03. Review status: criteria provided, single submitter. Criteria: Invitae Variant Classification Sherloc (09022015). Collection method: clinical testing. Allele origin: germline.
Comment: This sequence change replaces serine, which is neutral and polar, with cysteine, which is neutral and slightly polar, at codon 1767 of the HIVEP2 protein (p.Ser1767Cys). This variant is not present in population databases (gnomAD no frequency). This variant has not been reported in the literature in individuals affected with HIVEP2-related conditions. Advanced modeling of protein sequence and biophysical properties (such as structural, functional, and spatial information, amino acid conservation, physicochemical variation, residue mobility, and thermodynamic stability) performed at Invitae indicates that this missense variant is not expected to disrupt HIVEP2 protein function with a negative predictive value of 80%. In summary, the available evidence is currently insufficient to determine the role of this variant in disease. Therefore, it has been classified as a Variant of Uncertain Significance.

NM_006734.4(HIVEP2):c.5300C>G (p.Ser1767Cys)

Gene: HIVEP2 (HIVEP zinc finger 2; minus strand). Cytogenetic location: 6q24.2.
Variant type: single nucleotide variant.
Coding change: c.5300C>G on transcript NM_006734.4 (MANE Select); coding-DNA position 5300, C replaced by G.
Protein change: p.Ser1767Cys; replaces serine 1767 with cysteine.
Molecular consequence: missense variant.
Genome position (GRCh38, 1-based): chr6:142,768,424, G>C on the plus strand (C>G on the coding strand, the complement: HIVEP2 is on the minus strand). VCF-style: chr6-142768424-G-C. GRCh37 (hg19) VCF-style: chr6-143089561-G-C.
Other names: short protein forms S1767C.
Identifiers: ClinVar variation 3648740 (VCV003648740.2).